The following is an entry in ClinVar:

ClinVar aggregate classification (germline): Uncertain significance (1 of 4 stars; one submission).

Submission:

CeGaT Center for Human Genetics Tuebingen
Classification: Uncertain significance. Last evaluated: 2024-05-01. Review status: criteria provided, single submitter. Criteria: CeGaT Center For Human Genetics Tuebingen Variant Classification Criteria Version 2. Collection method: clinical testing. Allele origin: germline. Affected: yes. Observed: 1 variant allele.
Comment: HK1: PM2, PP3

NM_000188.3(HK1):c.875+1G>A

Gene: HK1 (hexokinase 1; plus strand). Cytogenetic location: 10q22.1.
Variant type: single nucleotide variant.
Coding change: c.875+1G>A on transcript NM_000188.3 (MANE Select); the canonical splice donor site of the intron after coding-DNA position 875, G replaced by A.
Molecular consequence: splice donor variant.
Genome position (GRCh38, 1-based): chr10:69,369,625, G>A. VCF-style: chr10-69369625-G-A. GRCh37 (hg19) VCF-style: chr10-71129381-G-A.
Other names: c.887+1G>A (NM_001358263.1, NM_033498.3, NM_033497.3 and 1 more transcripts); c.872+1G>A (NM_033496.3); c.791+1G>A (NM_001322366.1); c.779+1G>A (NM_001322367.1); c.839+1G>A (NM_033500.2); c.980+1G>A (NM_001322365.2).
Identifiers: ClinVar variation 3239440 (VCV003239440.19), dbSNP rs1564547942.
Genomic context (GRCh38, chr10:69,369,625, plus strand): 5'-CATCCGGACAGAGTTTGACAGGGAGATAGACCGGGGATCCCTCAACCCTGGAAAACAGCT[G>A]TGAGTCCTTGACTTTTGCTTCTAACCACATATGTGAGTTAGGGGACATTTGATGAAAGAT-3'